The following is an entry in ClinVar:

NM_001370466.1(NOD2):c.2549+35T>A

Gene: NOD2 (nucleotide binding oligomerization domain containing 2; plus strand). Cytogenetic location: 16q12.1.
Variant type: single nucleotide variant.
Coding change: c.2549+35T>A on transcript NM_001370466.1 (MANE Select); 35 bases into the intron after coding-DNA position 2549, T replaced by A.
Molecular consequence: intron variant.
Genome position (GRCh38, 1-based): chr16:50,717,009, T>A. VCF-style: chr16-50717009-T-A. GRCh37 (hg19) VCF-style: chr16-50750920-T-A.
Other names: c.2630+35T>A (LRG_177t1, NM_022162.3); c.2549+35T>A (NM_001293557.2).
Identifiers: ClinVar variation 97860 (VCV000097860.1), dbSNP rs104895449, ClinGen allele CA150292.

ClinVar aggregate classification (germline): not provided (0 of 4 stars; one submission).

Conditions:
Blau syndrome (BLAUS). Also called: ARTHROCUTANEOUVEAL GRANULOMATOSIS; GRANULOMATOSIS, FAMILIAL JUVENILE SYSTEMIC; GRANULOMATOSIS, FAMILIAL, BLAU TYPE; GRANULOMATOUS INFLAMMATORY ARTHRITIS, DERMATITIS, AND UVEITIS, FAMILIAL; JABS SYNDROME. Identifiers: Orphanet 90340, MedGen C5201146, MONDO:0008523, OMIM 186580.

Submission:

Unité médicale des maladies autoinflammatoires, CHRU Montpellier
No classification provided. Condition: Sarcoidosis, early-onset. Review status: no classification provided. Collection method: not provided. Allele origin: unknown.
Comment: also involved in OMIM 186580 and 266600